The following is an entry in ClinVar:

NM_181882.3(PRX):c.2956C>A (p.Leu986Met)

Gene: PRX (periaxin; minus strand). Cytogenetic location: 19q13.2.
Variant type: single nucleotide variant.
Coding change: c.2956C>A on transcript NM_181882.3 (MANE Select); coding-DNA position 2956, C replaced by A.
Protein change: p.Leu986Met; replaces leucine 986 with methionine.
Molecular consequence: missense variant. On other transcripts: 3 prime UTR variant (1).
Genome position (GRCh38, 1-based): chr19:40,395,396, G>T on the plus strand (C>A on the coding strand, the complement: PRX is on the minus strand). VCF-style: chr19-40395396-G-T. GRCh37 (hg19) VCF-style: chr19-40901303-G-T.
Other names: c.3241C>A, p.Leu1081Met (NM_001411127.1); c.*3161C>A (NM_020956.2); short protein forms L1081M, L986M.
Identifiers: ClinVar variation 4084394 (VCV004084394.8).

ClinVar aggregate classification (germline): Uncertain significance (1 of 4 stars; one submission).

gnomAD v4.1: 5 of 1,613,874 alleles (0.00031%); highest among the groups gnomAD compares: Non-Finnish European, 0.00042%; no homozygotes.

Submission:

CeGaT Center for Human Genetics Tuebingen
Classification: Uncertain significance. Last evaluated: 2025-06-01. Review status: criteria provided, single submitter. Criteria: CeGaT Center For Human Genetics Tuebingen Variant Classification Criteria Version 2. Collection method: clinical testing. Allele origin: germline. Affected: yes. Observed: 1 variant allele.
Comment: PRX: PM2, BP4